The following is an entry in ClinVar:

NM_020937.4(FANCM):c.5062A>G (p.Ile1688Val)

Gene: FANCM (FA complementation group M; plus strand). Cytogenetic location: 14q21.2.
Variant type: single nucleotide variant.
Coding change: c.5062A>G on transcript NM_020937.4 (MANE Select); coding-DNA position 5062, A replaced by G.
Protein change: p.Ile1688Val; replaces isoleucine 1688 with valine.
Molecular consequence: missense variant.
Genome position (GRCh38, 1-based): chr14:45,189,084, A>G. VCF-style: chr14-45189084-A-G. GRCh37 (hg19) VCF-style: chr14-45658287-A-G.
Other names: c.4984A>G, p.Ile1662Val (NM_001308133.2); short protein forms I1688V, I1662V.
Identifiers: ClinVar variation 2147996 (VCV002147996.5), dbSNP rs1405646911, ClinGen allele CA389612219.

ClinVar aggregate classification (germline): Uncertain significance. Review status: criteria provided, multiple submitters, no conflicts (2 of 4 stars). 2 submissions from 2 submitters: Uncertain significance (2). Last evaluated 2025-02-08.

Conditions:
Inborn genetic diseases. Identifiers: MedGen C0950123, MeSH D030342.
Fanconi anemia (FA). Also called: Fanconi's anemia. Identifiers: Orphanet 84, MedGen C0015625, MeSH D005199, MONDO:0019391.

Allele frequency attached by ClinVar (database versions not stated): gnomAD exomes below 0.00001; TOPMed below 0.00001; gnomAD 0.00001.
gnomAD v4.1: 2 of 1,614,084 alleles (0.00012%); highest among the groups gnomAD compares: East Asian, 0.0022%; no homozygotes.

Submissions (2):

Ambry Genetics
Classification: Uncertain significance for Inborn genetic diseases. Last evaluated: 2025-02-08. Review status: criteria provided, single submitter. Criteria: Ambry Variant Classification Scheme 2023. Collection method: clinical testing. Allele origin: germline.
Comment: The p.I1688V variant (also known as c.5062A>G), located in coding exon 20 of the FANCM gene, results from an A to G substitution at nucleotide position 5062. The isoleucine at codon 1688 is replaced by valine, an amino acid with highly similar properties. This amino acid position is conserved. In addition, this alteration is predicted to be tolerated by in silico analysis. Based on the available evidence, the clinical significance of this variant remains unclear.

Labcorp Genetics (formerly Invitae), Labcorp
Classification: Uncertain significance for Fanconi anemia. Last evaluated: 2022-09-22. Review status: criteria provided, single submitter. Criteria: Invitae Variant Classification Sherloc (09022015). Collection method: clinical testing. Allele origin: germline.
Comment: In summary, the available evidence is currently insufficient to determine the role of this variant in disease. Therefore, it has been classified as a Variant of Uncertain Significance. Algorithms developed to predict the effect of missense changes on protein structure and function output the following: SIFT: "Tolerated"; PolyPhen-2: "Benign"; Align-GVGD: "Class C0". The valine amino acid residue is found in multiple mammalian species, which suggests that this missense change does not adversely affect protein function. This variant has not been reported in the literature in individuals affected with FANCM-related conditions. This variant is not present in population databases (gnomAD no frequency). This sequence change replaces isoleucine, which is neutral and non-polar, with valine, which is neutral and non-polar, at codon 1688 of the FANCM protein (p.Ile1688Val).